The following is an entry in ClinVar:

NM_000153.4(GALC):c.1114G>C (p.Ala372Pro)

Gene: GALC (galactosylceramidase; minus strand). Cytogenetic location: 14q31.3.
Variant type: single nucleotide variant.
Coding change: c.1114G>C on transcript NM_000153.4 (MANE Select); coding-DNA position 1114, G replaced by C.
Protein change: p.Ala372Pro; replaces alanine 372 with proline.
Molecular consequence: missense variant. On other transcripts: non-coding transcript variant (1).
Genome position (GRCh38, 1-based): chr14:87,963,431, C>G on the plus strand (G>C on the coding strand, the complement: GALC is on the minus strand). VCF-style: chr14-87963431-C-G. GRCh37 (hg19) VCF-style: chr14-88429775-C-G.
Other names: p.Ala372Pro; c.1045G>C, p.Ala349Pro (NM_001201401.2); c.1036G>C, p.Ala346Pro (NM_001201402.2); c.946G>C, p.Ala316Pro (NM_001424071.1, NM_001424072.1, NM_001424073.1); c.766G>C, p.Ala256Pro (NM_001424074.1, NM_001424075.1); c.481G>C, p.Ala161Pro (NM_001424076.1, NM_001424077.1); short protein forms A161P, A256P, A316P, A346P, A349P, A372P.
Identifiers: ClinVar variation 5036879 (VCV005036879.1).

ClinVar aggregate classification (germline): Uncertain significance (1 of 4 stars; one submission).

Conditions:
Galactosylceramide beta-galactosidase deficiency. Also called: GALACTOCEREBROSIDASE DEFICIENCY; GALC DEFICIENCY; GLOBOID CELL LEUKOENCEPHALOPATHY; Leukodystrophy, Globoid Cell; Krabbe Disease. Identifiers: Orphanet 487, MedGen C0023521, MONDO:0009499, OMIM 245200.

Submission:

Foundation for Research in Genetics and Endocrinology, FRIGE's Institute of Human Genetics
Classification: Uncertain significance for Galactosylceramide beta-galactosidase deficiency. Last evaluated: 2026-09-30. Review status: criteria provided, single submitter. Criteria: ACMG Guidelines, 2015. Collection method: clinical testing. Allele origin: germline. Inheritance: Autosomal recessive inheritance. Affected: yes. Observed: 1 variant allele, 1 homozygote.
Comment: A homozygous missense variant in exon 10 of the GALC gene was detected. The observed variant c.1114G>C (p.Ala372Pro) has not been reported in the gnomAD database. The in silico prediction of the variant is possibly damaging by PolyPhen-2 and damaging by MutationTaster2. In summary, the variant meets our criteria to be classified as a variant of uncertain significance.